The following is an entry in ClinVar:

NM_003590.5(CUL3):c.739del (p.Arg247fs)

Gene: CUL3 (cullin 3; minus strand). Cytogenetic location: 2q36.2.
Variant type: Deletion.
Coding change: c.739del on transcript NM_003590.5 (MANE Select); coding-DNA position 739, one base deleted (C; older notation c.739delC).
Protein change: p.Arg247fs; shifts the reading frame from arginine 247.
Molecular consequence: frameshift variant.
Genome position (GRCh38, 1-based): chr2:224,511,498, G deleted on the plus strand (C on the coding strand, the reverse complement: CUL3 is on the minus strand). VCF-style (leftmost placement, unchanged base first): chr2-224511497-CG-C. GRCh37 (hg19) VCF-style: chr2-225376214-CG-C.
Other names: c.541del, p.Arg181fs (NM_001257197.2); c.757del, p.Arg253fs (NM_001257198.2); short protein forms R181fs, R247fs, R253fs.
Identifiers: ClinVar variation 4526436 (VCV004526436.1).

ClinVar aggregate classification (germline): Likely pathogenic (1 of 4 stars; one submission).

Conditions:
Neurodevelopmental disorder with or without autism or seizures (NEDAUS). Identifiers: MedGen C5543225, MONDO:0030994, OMIM 619239.

Submission:

Department of Clinical Genetics, Aarhus University Hospital
Classification: Likely pathogenic for Neurodevelopmental disorder with or without autism or seizures. Review status: criteria provided, single submitter. Criteria: ACMG Guidelines, 2015. Collection method: clinical testing. Allele origin: de novo. Affected: yes.
Comment: The variant is not seen in the gnomAD 4.1 database. The variant is a frameshift variant predicted to cause a premature termination codon in exon 6 of 16 potentially leading to NMD and loss-of-function. Blackburn et al. 2014 (PMID:37398376) has established LOF as mechanism for syndromic neurodevelopmental disorder. According to the ACMG guidelines, this variant is interpreted as likely pathogenic (PVS1_moderate, PM2_supporting).

Literature cited by the submitters: PubMed 37398376.